The following is an entry in ClinVar:

ClinVar aggregate classification (germline): Likely benign (1 of 4 stars; one submission).

Submission:

CeGaT Center for Human Genetics Tuebingen
Classification: Likely benign. Last evaluated: 2026-04-01. Review status: criteria provided, single submitter. Criteria: CeGaT Center For Human Genetics Tuebingen Variant Classification Criteria Version 2. Collection method: clinical testing. Allele origin: germline. Affected: yes. Observed: 1 variant allele.
Comment: SLC6A6: PM2:Supporting, BP4, BP7

NM_003043.6(SLC6A6):c.567C>G (p.Thr189=)

Gene: SLC6A6 (solute carrier family 6 member 6; plus strand). Cytogenetic location: 3p25.1.
Variant type: single nucleotide variant.
Coding change: c.567C>G on transcript NM_003043.6 (MANE Select); coding-DNA position 567, C replaced by G.
Protein change: p.Thr189=; no amino-acid change (threonine 189 retained).
Molecular consequence: synonymous variant. On other transcripts: non-coding transcript variant (1).
Genome position (GRCh38, 1-based): chr3:14,447,784, C>G. VCF-style: chr3-14447784-C-G. GRCh37 (hg19) VCF-style: chr3-14489292-C-G.
Other names: c.870C>G, p.Thr290= (NM_001134367.3); c.567C>G, p.Thr189= (NM_001134368.4).
Identifiers: ClinVar variation 4823807 (VCV004823807.4).